The following is an entry in ClinVar:

ClinVar aggregate classification (germline): Likely benign. Review status: criteria provided, multiple submitters, no conflicts (2 of 4 stars). 4 submissions from 4 submitters: Likely benign (4). Last evaluated 2023-09-04.

Conditions:
Catecholaminergic polymorphic ventricular tachycardia (CVPT). Also called: Catecholamine-induced polymorphic ventricular tachycardia. Identifiers: Orphanet 3286, MedGen C5574922, MONDO:0017990.
Cardiomyopathy (CMYO). Also called: Cardiomyopathies. Identifiers: Orphanet 167848, MedGen C0878544, MONDO:0004994, HP:0001638. Inheritance: Various modes of inheritance.
Catecholaminergic polymorphic ventricular tachycardia 1. Also called: RYR2-Related Catecholaminergic Polymorphic Ventricular Tachycardia; VENTRICULAR TACHYCARDIA, STRESS-INDUCED POLYMORPHIC 1; VENTRICULAR TACHYCARDIA, CATECHOLAMINERGIC POLYMORPHIC, 1, WITH OR WITHOUT ATRIAL DYSFUNCTION AND/OR DILATED CARDIOMYOPATHY. Identifiers: Orphanet 3286, MedGen C1631597, MONDO:0011484, OMIM 604772.

Allele frequency attached by ClinVar (database versions not stated): gnomAD exomes 0.00001; TOPMed 0.00001.
gnomAD v4.1: 16 of 1,613,216 alleles (0.00099%); highest among the groups gnomAD compares: Non-Finnish European, 0.0013%; no homozygotes.

Submissions (4):

All of Us Research Program, National Institutes of Health
Classification: Likely benign for Catecholaminergic polymorphic ventricular tachycardia. Last evaluated: 2023-09-04. Review status: criteria provided, single submitter. Criteria: ACMG Guidelines, 2015. Collection method: clinical testing. Allele origin: germline. Inheritance: Autosomal dominant inheritance. Observed: 2 variant alleles, 2 heterozygotes.
Comment: This study involves interpretation of variants in research participants for the purpose of population health screening. Participant phenotype was not available at the time of variant classification. Additional details can be found in publication PMID: 35346344, PMCID: PMC8962531

Labcorp Genetics (formerly Invitae), Labcorp
Classification: Likely benign for Catecholaminergic polymorphic ventricular tachycardia 1. Last evaluated: 2022-12-20. Review status: criteria provided, single submitter. Criteria: Invitae Variant Classification Sherloc (09022015). Collection method: clinical testing. Allele origin: germline.

Blueprint Genetics
Classification: Likely benign. Last evaluated: 2021-09-13. Review status: criteria provided, single submitter. Criteria: ACMG Guidelines, 2015. Collection method: clinical testing. Allele origin: germline.

Color Diagnostics, LLC DBA Color Health
Classification: Likely benign for Cardiomyopathy. Last evaluated: 2019-05-04. Review status: criteria provided, single submitter. Criteria: ACMG Guidelines, 2015. Collection method: clinical testing. Allele origin: germline.

NM_001035.3(RYR2):c.4644A>G (p.Thr1548=)

Gene: RYR2 (ryanodine receptor 2; plus strand). Cytogenetic location: 1q43.
Variant type: single nucleotide variant.
Coding change: c.4644A>G on transcript NM_001035.3 (MANE Select); coding-DNA position 4644, A replaced by G.
Protein change: p.Thr1548=; no amino-acid change (threonine 1548 retained).
Molecular consequence: synonymous variant.
Genome position (GRCh38, 1-based): chr1:237,602,072, A>G. VCF-style: chr1-237602072-A-G. GRCh37 (hg19) VCF-style: chr1-237765372-A-G.
Identifiers: ClinVar variation 921804 (VCV000921804.8), dbSNP rs865947296, ClinGen allele CA39815841.
Genomic context (GRCh38, chr1:237,602,072, plus strand): 5'-AAATGTATTTCAGGTGGAACCGAGTACAAAATTATTTCCTGCGGTTTTTGCACAAGCTAC[A>G]AGTCCCAATGTTTTCCAGTTTGAGTTGGGAAGAATAAAGGTAATAAAACTTATTCCTGGT-3'
Protein context (NP_001026.2, residues 1538-1558): KLFPAVFAQA[Thr1548=]SPNVFQFELG